The following is an entry in ClinVar:

ClinVar aggregate classification (germline): Benign. Review status: criteria provided, multiple submitters, no conflicts (2 of 4 stars). 8 submissions from 8 submitters: Benign (7). 1 of the submissions does not count toward it. Last evaluated 2026-02-02.

Conditions:
Glycogen storage disease IXd (GSD9D). Also called: Muscle Phosphorylase Kinase Deficiency; GSD IXd. Identifiers: Orphanet 715, MedGen C1845151, MONDO:0010362, OMIM 300559.

Allele frequency attached by ClinVar (database versions not stated): ExAC 0.02627; TOPMed 0.02687; gnomAD 0.02710 and 0.02717; ESP Exome Variant Server 0.03295; 1000 Genomes Project 30x 0.01457; 1000 Genomes Project 0.01536; gnomAD exomes 0.02537.
gnomAD v4.1: 42,615 of 1,207,676 alleles (3.5%); highest among the groups gnomAD compares: Non-Finnish European, 4.2%; 643 homozygotes.

Submissions (8):

Labcorp Genetics (formerly Invitae), Labcorp
Classification: Benign for Glycogen storage disease IXd. Last evaluated: 2026-02-02. Review status: criteria provided, single submitter. Criteria: Invitae Variant Classification Sherloc (09022015). Collection method: clinical testing. Allele origin: germline.

Women's Health and Genetics/Laboratory Corporation of America, LabCorp
Classification: Benign. Last evaluated: 2025-11-14. Review status: criteria provided, single submitter. Criteria: LabCorp Variant Classification Summary - May 2015. Collection method: clinical testing. Allele origin: germline.

Illumina Laboratory Services, Illumina
Classification: Benign for Glycogen storage disease IXd. Last evaluated: 2018-01-13. Review status: criteria provided, single submitter. Criteria: ICSL Variant Classification Criteria 13 December 2019. Collection method: clinical testing. Allele origin: germline.
Comment: This variant was observed in the ICSL laboratory as part of a predisposition screen in an ostensibly healthy population. It had not been previously curated by ICSL or reported in the Human Gene Mutation Database (HGMD: prior to June 1st, 2018), and was therefore a candidate for classification through an automated scoring system. Utilizing variant allele frequency, disease prevalence and penetrance estimates, and inheritance mode, an automated score was calculated to assess if this variant is too frequent to cause the disease. Based on the score and internal cut-off values, a variant classified as benign is not then subjected to further curation. The score for this variant resulted in a classification of benign for this disease.

Eurofins Ntd Llc (ga)
Classification: Benign. Last evaluated: 2017-01-30. Review status: criteria provided, single submitter. Criteria: EGL Classification Definitions 2015. Collection method: clinical testing. Allele origin: germline. Observed: 2 variant alleles, 1 heterozygote, 1 hemizygote.

GeneDx
Classification: Benign. Last evaluated: 2015-12-18. Review status: criteria provided, single submitter. Criteria: GeneDx Variant Classification (06012015). Collection method: clinical testing. Allele origin: germline. Affected: yes.
Comment: This variant is considered likely benign or benign based on one or more of the following criteria: it is a conservative change, it occurs at a poorly conserved position in the protein, it is predicted to be benign by multiple in silico algorithms, and/or has population frequency not consistent with disease.

Breakthrough Genomics
Classification: Benign. Review status: criteria provided, single submitter. Criteria: ACMG Guidelines, 2015. Collection method: not provided. Allele origin: germline. Inheritance: X-linked inheritance. Affected: yes.

PreventionGenetics, part of Exact Sciences
Classification: Benign. Review status: criteria provided, single submitter. Criteria: ACMG Guidelines, 2015. Collection method: clinical testing. Allele origin: germline.

Mayo Clinic Laboratories, Mayo Clinic
Classification: Benign. Last evaluated: 2017-05-17. Review status: no assertion criteria provided. Collection method: clinical testing. Allele origin: unknown. Not counted in ClinVar's aggregate classification.

NM_002637.4(PHKA1):c.429C>T (p.Leu143=)

Genes: PHKA1 (phosphorylase kinase regulatory subunit alpha 1; minus strand), PHKA1-AS1 (PHKA1 antisense RNA 1; plus strand). Cytogenetic location: Xq13.1.
Variant type: single nucleotide variant.
Coding change: c.429C>T on transcript NM_002637.4 (MANE Select); coding-DNA position 429, C replaced by T.
Protein change: p.Leu143=; no amino-acid change (leucine 143 retained).
Molecular consequence: synonymous variant.
Genome position (GRCh38, 1-based): chrX:72,695,733, G>A on the plus strand (C>T on the coding strand, the complement: PHKA1 is on the minus strand). VCF-style: chrX-72695733-G-A. GRCh37 (hg19) VCF-style: chrX-71915583-G-A.
Other names: c.429C>T, p.Leu143= (NM_001122670.2, NM_001172436.2).
Identifiers: ClinVar variation 258785 (VCV000258785.22), dbSNP rs138066694, ClinGen allele CA10451070.
Genomic context (GRCh38, chrX:72,695,733, plus strand): 5'-TCAGGGGCTCCCAGCACTTCTCTCCTTGTACTGACCTGAGGCAGTCATTTGGGCTAAGAA[G>A]AGCAGGTACACAGAGGTAGCATCCAACTGCAGGTGTCCCCATTGATCATCACCCACTACA-3'
Protein context (NP_002628.2, residues 133-153): LQLDATSVYL[Leu143=]FLAQMTASGL